The following is an entry in ClinVar:

ClinVar aggregate classification (germline): Pathogenic. Review status: criteria provided, multiple submitters, no conflicts (2 of 4 stars). 6 submissions from 6 submitters: Pathogenic (6). Last evaluated 2025-05-30.

Conditions:
Progressive external ophthalmoplegia with mitochondrial DNA deletions, autosomal recessive 1 (PEOB1). Also called: Autosomal Recessive Progressive External Ophthalmoplegia (arPEO); Progressive external ophthalmoplegia, autosomal recessive 1. Identifiers: Orphanet 254886, MedGen C4225153, MONDO:0009783, OMIM 258450.
Progressive external ophthalmoplegia with mitochondrial DNA deletions, autosomal dominant 1 (PEOA1). Also called: PROGRESSIVE EXTERNAL OPHTHALMOPLEGIA, AUTOSOMAL DOMINANT 1; Autosomal Dominant Progressive External Ophthalmoplegia (adPEO). Identifiers: MedGen C1834846, MONDO:0024528, OMIM 157640.
Progressive sclerosing poliodystrophy (MTDPS4A). Also called: NEURONAL DEGENERATION OF CHILDHOOD WITH LIVER DISEASE, PROGRESSIVE; ALPERS PROGRESSIVE INFANTILE POLIODYSTROPHY; Mitochondrial DNA depletion syndrome 4A (Alpers type); Alpers Syndrome; ALPERS DIFFUSE DEGENERATION OF CEREBRAL GRAY MATTER WITH HEPATIC CIRRHOSIS; Alpers-Huttenlocher Syndrome. Identifiers: Orphanet 726, MedGen C0205710, MONDO:0008758, OMIM 203700.
Mitochondrial DNA depletion syndrome 4b. Also called: Mitochondrial Neurogastrointestinal Encephalopathy Disease, POLG-Related; MNGIE, POLG-RELATED. Identifiers: Orphanet 298, MedGen C3150914, MONDO:0013350, OMIM 613662.
Sensory ataxic neuropathy, dysarthria, and ophthalmoparesis (SANDO). Also called: Sensory ataxic neuropathy-dysarthria-ophthalmoparesis syndrome; Epilepsy, progressive myoclonic, type 5; SENSORY ATAXIC NEUROPATHY WITH MITOCHONDRIAL DNA DELETIONS, AUTOSOMAL RECESSIVE; Ataxia Neuropathy Spectrum (ANS). Identifiers: Orphanet 70595, MedGen C1843851, MONDO:0011835, OMIM 607459.
POLG-related disorder. Also called: POLG-related condition; POLG-Related Disorders; POLG-Related Spectrum Disorders. Identifiers: MedGen C4763519.

Submissions (6):

PreventionGenetics, part of Exact Sciences
Classification: Pathogenic for POLG-related condition. Last evaluated: 2025-05-30. Review status: criteria provided, single submitter. Criteria: ACMG Guidelines, 2015. Collection method: clinical testing. Allele origin: germline.
Comment: The POLG c.1345C>T variant is predicted to result in premature protein termination (p.Gln449*). This variant has been reported along with another deleterious POLG variant in an individual with POLG deficiency (Tang et al. 2011. PubMed ID: 21880868). This variant has not been reported in a large population database (gnomAD), indicating this variant is rare. This variant is interpreted as pathogenic in ClinVar by multiple laboratories. Nonsense variants in POLG are expected to be pathogenic. This variant is interpreted as pathogenic.

Myriad Genetics, Inc.
Classification: Pathogenic for POLG-related disorder. Last evaluated: 2024-09-30. Review status: criteria provided, single submitter. Criteria: Myriad Autosomal Dominant, Autosomal Recessive and X-Linked Classification Criteria (2023). Collection method: clinical testing. Allele origin: unknown.
Comment: NM_002693.2(POLG):c.1345C>T(Q449*) is expected to be pathogenic in the context of POLG-related disorders. This variant is predicted to lead to an abnormal or absent protein product due to the creation of a premature termination codon in POLG, a gene where loss-of-function variants are known to be pathogenic. Please note: this variant was assessed in the context of healthy population screening.

Fulgent Genetics
Classification: Pathogenic for Progressive external ophthalmoplegia with mitochondrial DNA deletions, autosomal dominant 1; Progressive sclerosing poliodystrophy; Progressive external ophthalmoplegia with mitochondrial DNA deletions, autosomal recessive 1; Sensory ataxic neuropathy, dysarthria, and ophthalmoparesis; Mitochondrial DNA depletion syndrome 4b. Last evaluated: 2024-02-20. Review status: criteria provided, single submitter. Criteria: ACMG Guidelines, 2015. Collection method: clinical testing. Allele origin: germline.

Baylor Genetics
Classification: Pathogenic for Progressive sclerosing poliodystrophy. Last evaluated: 2024-01-17. Review status: criteria provided, single submitter. Criteria: ACMG Guidelines, 2015. Collection method: clinical testing. Allele origin: unknown.

Labcorp Genetics (formerly Invitae), Labcorp
Classification: Pathogenic for Progressive sclerosing poliodystrophy. Last evaluated: 2023-05-27. Review status: criteria provided, single submitter. Criteria: Invitae Variant Classification Sherloc (09022015). Collection method: clinical testing. Allele origin: germline.
Comment: This premature translational stop signal has been observed in individual(s) with autosomal recessive POLG-related conditions (PMID: 21880868). For these reasons, this variant has been classified as Pathogenic. ClinVar contains an entry for this variant (Variation ID: 619305). This variant is not present in population databases (gnomAD no frequency). This sequence change creates a premature translational stop signal (p.Gln449*) in the POLG gene. It is expected to result in an absent or disrupted protein product. Loss-of-function variants in POLG are known to be pathogenic (PMID: 18546365).

Wong Mito Lab, Molecular and Human Genetics, Baylor College of Medicine
Classification: Pathogenic for Progressive sclerosing poliodystrophy. Last evaluated: 2018-10-01. Review status: criteria provided, single submitter. Criteria: ACMG Guidelines, 2015. Collection method: clinical testing. Allele origin: germline.
Comment: The NM_002693.2:c.1345C>T (NP_002684.1:p.Gln449Ter) [GRCH38: NC_000015.10:g.89327255G>A] variant in POLG gene is interpretated to be a Pathogenic based on ACMG guidelines (PMID: 25741868). This variant meets the following evidence codes reported in the ACMG-guideline. PVS1:This variant is a predicted null variant in POLG where loss of function is a known mechanism of disease. PM2:This variant is absent in key population databases. PM3:Detected in trans with a pathogenic variant for Mitochondrial DNA depletion syndrome 4A (Alpers type) which is a recessive disorder. PM4:This variant causes alteration in the length of expressed protein. PP1:This variant is co-segregated with Mitochondrial DNA depletion syndrome 4A (Alpers type) in multiple affected family members. PP4:Patient's phenotype or family history is highly specific for POLG. Based on the evidence criteria codes applied, the variant is suggested to be Pathogenic.

Literature cited by the submitters: PubMed 21880868 (cited by Labcorp Genetics (formerly Invitae), Labcorp); PubMed 18546365 (cited by Labcorp Genetics (formerly Invitae), Labcorp).

NM_002693.3(POLG):c.1345C>T (p.Gln449Ter)

Gene: POLG (DNA polymerase gamma, catalytic subunit; minus strand). Cytogenetic location: 15q26.1.
Variant type: single nucleotide variant.
Coding change: c.1345C>T on transcript NM_002693.3 (MANE Select); coding-DNA position 1345, C replaced by T.
Protein change: p.Gln449Ter; replaces glutamine 449 with a stop codon.
Molecular consequence: nonsense.
Genome position (GRCh38, 1-based): chr15:89,327,255, G>A on the plus strand (C>T on the coding strand, the complement: POLG is on the minus strand). VCF-style: chr15-89327255-G-A. GRCh37 (hg19) VCF-style: chr15-89870486-G-A.
Other names: c.1345C>T, p.Gln449Ter (NM_001126131.2); short protein forms Q449*.
Identifiers: ClinVar variation 619305 (VCV000619305.8), dbSNP rs1567191417, ClinGen allele CA10602189.